The following is an entry in ClinVar:

NM_000051.4(ATM):c.5419A>G (p.Lys1807Glu)

Gene: ATM (ATM serine/threonine kinase; plus strand). Cytogenetic location: 11q22.3.
Variant type: single nucleotide variant.
Coding change: c.5419A>G on transcript NM_000051.4 (MANE Select); coding-DNA position 5419, A replaced by G.
Protein change: p.Lys1807Glu; replaces lysine 1807 with glutamic acid.
Molecular consequence: missense variant.
Genome position (GRCh38, 1-based): chr11:108,302,952, A>G. VCF-style: chr11-108302952-A-G. GRCh37 (hg19) VCF-style: chr11-108173679-A-G.
Other names: c.5419A>G, p.Lys1807Glu (NM_001351834.2); short protein forms K1807E.
Identifiers: ClinVar variation 1054109 (VCV001054109.9), dbSNP rs1591712583, ClinGen allele CA382543911.
Genomic context (GRCh38, chr11:108,302,952, plus strand): 5'-GAAGGCCTGGATGATATAAATCTGTGGATTCCTCTAAGTGAAAATCATGACATTTGGATA[A>G]AGACACTGACTTGTGCTTTTTTGGACAGTGGAGGCACAAAATGTGAAATTCTTCAATTAT-3'
Protein context (NP_000042.3, residues 1797-1817): PLSENHDIWI[Lys1807Glu]TLTCAFLDSG

ClinVar aggregate classification (germline): Uncertain significance. Review status: criteria provided, multiple submitters, no conflicts (2 of 4 stars). 3 submissions from 3 submitters: Uncertain significance (3). Last evaluated 2025-02-26.

Conditions:
Hereditary cancer-predisposing syndrome. Also called: Hereditary Cancer Syndrome; Tumor predisposition; Hereditary neoplastic syndrome; Neoplastic Syndromes, Hereditary. Identifiers: Orphanet 140162, MedGen C0027672, MeSH D009386, MONDO:0015356.
Ataxia-telangiectasia syndrome (AT). Also called: ATAXIA-TELANGIECTASIA, FRESNO VARIANT; Ataxia-telangiectasia, complementation group E; ATAXIA-TELANGIECTASIA, COMPLEMENTATION GROUP A; LOUIS-BAR SYNDROME; Ataxia-telangiectasia, complementation group D; AT, COMPLEMENTATION GROUP C. Identifiers: Orphanet 100, MedGen C0004135, MONDO:0008840, OMIM 208900.
Familial cancer of breast. Also called: hereditary breast carcinoma; Hereditary breast cancer; BREAST CANCER, FAMILIAL. Identifiers: Orphanet 227535, MedGen C0346153, MONDO:0016419, OMIM 114480. Disease mechanism: loss of function.

Submissions (3):

Labcorp Genetics (formerly Invitae), Labcorp
Classification: Uncertain significance for Ataxia-telangiectasia syndrome. Last evaluated: 2025-02-26. Review status: criteria provided, single submitter. Criteria: Invitae Variant Classification Sherloc (09022015). Collection method: clinical testing. Allele origin: germline.
Comment: This sequence change replaces lysine, which is basic and polar, with glutamic acid, which is acidic and polar, at codon 1807 of the ATM protein (p.Lys1807Glu). This variant is not present in population databases (gnomAD no frequency). This missense change has been observed in individual(s) with ataxia-telangiectasia (A-T) (PMID: 19431188). ClinVar contains an entry for this variant (Variation ID: 1054109). Invitae Evidence Modeling of protein sequence and biophysical properties (such as structural, functional, and spatial information, amino acid conservation, physicochemical variation, residue mobility, and thermodynamic stability) indicates that this missense variant is not expected to disrupt ATM protein function with a negative predictive value of 95%. Experimental studies have shown that this missense change affects ATM function (PMID: 19431188). In summary, the available evidence is currently insufficient to determine the role of this variant in disease. Therefore, it has been classified as a Variant of Uncertain Significance.

Ambry Genetics
Classification: Uncertain significance for Hereditary cancer-predisposing syndrome. Last evaluated: 2024-06-14. Review status: criteria provided, single submitter. Criteria: Ambry Variant Classification Scheme 2023. Collection method: clinical testing. Allele origin: germline.
Comment: The p.K1807E variant (also known as c.5419A>G), located in coding exon 35 of the ATM gene, results from an A to G substitution at nucleotide position 5419. The lysine at codon 1807 is replaced by glutamic acid, an amino acid with similar properties. This alteration was seen in 1/732 breast cancer patients in a Turkish population (Akcay IM et al. Int J Cancer, 2021 Jan;148:285-295). In a functional study, this alteration showed partial loss of kinase activity (Barone G et al. Hum Mutat, 2009 Aug;30:1222-30). This amino acid position is highly conserved in available vertebrate species. In addition, this alteration is predicted to be deleterious by in silico analysis. Based on the available evidence, the clinical significance of this variant remains unclear.

Fulgent Genetics
Classification: Uncertain significance for Familial cancer of breast; Ataxia-telangiectasia syndrome. Last evaluated: 2021-09-22. Review status: criteria provided, single submitter. Criteria: ACMG Guidelines, 2015. Collection method: clinical testing. Allele origin: unknown.

Literature cited by the submitters: PubMed 19431188 (cited by Labcorp Genetics (formerly Invitae), Labcorp and Ambry Genetics); PubMed 32658311 (cited by Ambry Genetics).